The following is an entry in ClinVar:

NM_000360.4(TH):c.1025G>T (p.Arg342Leu)

Gene: TH (tyrosine hydroxylase; minus strand). Cytogenetic location: 11p15.5.
Variant type: single nucleotide variant.
Coding change: c.1025G>T on transcript NM_000360.4 (MANE Select); coding-DNA position 1025, G replaced by T.
Protein change: p.Arg342Leu; replaces arginine 342 with leucine.
Molecular consequence: missense variant.
Genome position (GRCh38, 1-based): chr11:2,166,502, C>A on the plus strand (G>T on the coding strand, the complement: TH is on the minus strand). VCF-style: chr11-2166502-C-A. GRCh37 (hg19) VCF-style: chr11-2187732-C-A.
Other names: c.1118G>T, p.Arg373Leu (NM_199292.3); c.1106G>T, p.Arg369Leu (NM_199293.3); c.1118G>T (NM_199292.2); short protein forms R342L, R373L, R369L.
Identifiers: ClinVar variation 1502288 (VCV001502288.4), dbSNP rs768713710, ClinGen allele CA5818412.

ClinVar aggregate classification (germline): Uncertain significance. Review status: criteria provided, multiple submitters, no conflicts (2 of 4 stars). 2 submissions from 2 submitters: Uncertain significance (2). Last evaluated 2023-12-28.

Conditions:
Inborn genetic diseases. Identifiers: MedGen C0950123, MeSH D030342.
TH-deficient dopa-responsive dystonia. Also called: Tyrosine Hydroxylase-Deficient Dopa-Responsive Dystonia; Segawa syndrome, autosomal recessive; DYT-TH. Identifiers: Orphanet 101150, MedGen C2673535, MONDO:0011551, OMIM 605407.

Allele frequency attached by ClinVar (database versions not stated): gnomAD exomes 0.00001.
gnomAD v4.1: 7 of 1,595,912 alleles (0.00044%); highest among the groups gnomAD compares: Non-Finnish European, 0.0006%; no homozygotes.

Submissions (2):

Ambry Genetics
Classification: Uncertain significance for Inborn genetic diseases. Last evaluated: 2023-12-28. Review status: criteria provided, single submitter. Criteria: Ambry Variant Classification Scheme 2023. Collection method: clinical testing. Allele origin: germline.

Labcorp Genetics (formerly Invitae), Labcorp
Classification: Uncertain significance for TH-deficient dopa-responsive dystonia. Last evaluated: 2022-09-27. Review status: criteria provided, single submitter. Criteria: Invitae Variant Classification Sherloc (09022015). Collection method: clinical testing. Allele origin: germline.
Comment: This sequence change replaces arginine, which is basic and polar, with leucine, which is neutral and non-polar, at codon 373 of the TH protein (p.Arg373Leu). This variant is not present in population databases (gnomAD no frequency). This variant has not been reported in the literature in individuals affected with TH-related conditions. ClinVar contains an entry for this variant (Variation ID: 1502288). Advanced modeling of protein sequence and biophysical properties (such as structural, functional, and spatial information, amino acid conservation, physicochemical variation, residue mobility, and thermodynamic stability) has been performed at Invitae for this missense variant, however the output from this modeling did not meet the statistical confidence thresholds required to predict the impact of this variant on TH protein function. In summary, the available evidence is currently insufficient to determine the role of this variant in disease. Therefore, it has been classified as a Variant of Uncertain Significance.